The following is an entry in ClinVar:

ClinVar aggregate classification (germline): Uncertain significance (1 of 4 stars; one submission).

Conditions:
Congenital contractural arachnodactyly (CCA). Also called: BEALS SYNDROME; Arthrogryposis, distal, type 9; Beals-Hecht syndrome. Identifiers: Orphanet 115, MedGen C0220668, MONDO:0007363, OMIM 121050.

Submission:

Labcorp Genetics (formerly Invitae), Labcorp
Classification: Uncertain significance for Congenital contractural arachnodactyly. Last evaluated: 2024-06-30. Review status: criteria provided, single submitter. Criteria: Invitae Variant Classification Sherloc (09022015). Collection method: clinical testing. Allele origin: germline.
Comment: This sequence change replaces leucine, which is neutral and non-polar, with proline, which is neutral and non-polar, at codon 2812 of the FBN2 protein (p.Leu2812Pro). This variant is not present in population databases (gnomAD no frequency). This missense change has been observed in individual(s) with thoracic aortic aneurysm and dissection (Invitae). Advanced modeling of protein sequence and biophysical properties (such as structural, functional, and spatial information, amino acid conservation, physicochemical variation, residue mobility, and thermodynamic stability) has been performed at Invitae for this missense variant, however the output from this modeling did not meet the statistical confidence thresholds required to predict the impact of this variant on FBN2 protein function. In summary, the available evidence is currently insufficient to determine the role of this variant in disease. Therefore, it has been classified as a Variant of Uncertain Significance.

NM_001999.4(FBN2):c.8435T>C (p.Leu2812Pro)

Gene: FBN2 (fibrillin 2; minus strand). Cytogenetic location: 5q23.3.
Variant type: single nucleotide variant.
Coding change: c.8435T>C on transcript NM_001999.4 (MANE Select); coding-DNA position 8435, T replaced by C.
Protein change: p.Leu2812Pro; replaces leucine 2812 with proline.
Molecular consequence: missense variant.
Genome position (GRCh38, 1-based): chr5:128,259,759, A>G on the plus strand (T>C on the coding strand, the complement: FBN2 is on the minus strand). VCF-style: chr5-128259759-A-G. GRCh37 (hg19) VCF-style: chr5-127595451-A-G.
Other names: short protein forms L2812P.
Identifiers: ClinVar variation 3658281 (VCV003658281.2).